The following is an entry in ClinVar:

ClinVar aggregate classification (germline): Uncertain significance. Review status: criteria provided, multiple submitters, no conflicts (2 of 4 stars). 2 submissions from 2 submitters: Uncertain significance (2). Last evaluated 2025-05-23.

Conditions:
Inborn genetic diseases. Identifiers: MedGen C0950123, MeSH D030342.

Allele frequency attached by ClinVar (database versions not stated): gnomAD exomes below 0.00001.
gnomAD v4.1: 1 of 1,554,224 alleles (0.000064%); highest among the groups gnomAD compares: East Asian, 0.0023%; no homozygotes.

Submissions (2):

Ambry Genetics
Classification: Uncertain significance for Inborn genetic diseases. Last evaluated: 2025-05-23. Review status: criteria provided, single submitter. Criteria: Ambry Variant Classification Scheme 2023. Collection method: clinical testing. Allele origin: germline.

Labcorp Genetics (formerly Invitae), Labcorp
Classification: Uncertain significance. Last evaluated: 2024-07-29. Review status: criteria provided, single submitter. Criteria: Invitae Variant Classification Sherloc (09022015). Collection method: clinical testing. Allele origin: germline.
Comment: This sequence change replaces histidine, which is basic and polar, with tyrosine, which is neutral and polar, at codon 411 of the PAX1 protein (p.His411Tyr). This variant is not present in population databases (gnomAD no frequency). This variant has not been reported in the literature in individuals affected with PAX1-related conditions. ClinVar contains an entry for this variant (Variation ID: 1433962). Advanced modeling of protein sequence and biophysical properties (such as structural, functional, and spatial information, amino acid conservation, physicochemical variation, residue mobility, and thermodynamic stability) performed at Invitae indicates that this missense variant is not expected to disrupt PAX1 protein function with a negative predictive value of 80%. In summary, the available evidence is currently insufficient to determine the role of this variant in disease. Therefore, it has been classified as a Variant of Uncertain Significance.

NM_001257096.2(PAX1):c.1231C>T (p.His411Tyr)

Gene: PAX1 (paired box 1; plus strand). Cytogenetic location: 20p11.22.
Variant type: single nucleotide variant.
Coding change: c.1231C>T on transcript NM_001257096.2 (MANE Select); coding-DNA position 1231, C replaced by T.
Protein change: p.His411Tyr; replaces histidine 411 with tyrosine.
Molecular consequence: missense variant.
Genome position (GRCh38, 1-based): chr20:21,709,393, C>T. VCF-style: chr20-21709393-C-T. GRCh37 (hg19) VCF-style: chr20-21690031-C-T.
Other names: c.1231C>T, p.His411Tyr (NM_006192.5); c.1231C>T (NM_006192.3); short protein forms H411Y.
Identifiers: ClinVar variation 1433962 (VCV001433962.9), dbSNP rs2122140074, ClinGen allele CA408499617.
Genomic context (GRCh38, chr20:21,709,393, plus strand): 5'-CCGCCGTGGCCGCCTGCGCAAGGTCCTCCTCTGGCGCCCCCCGGGGCCGGCGTAGCTGTG[C>T]ATGGCGGGGAACTCGCGGCAGCAATGACCTTCAAGCATCCCAGCCGAGAAGGTGAGGAGC-3'
Protein context (NP_001244025.1, residues 401-421): LAPPGAGVAV[His411Tyr]GGELAAAMTF